The following is an entry in ClinVar:

ClinVar aggregate classification (germline): Benign/Likely benign. Review status: criteria provided, multiple submitters, no conflicts (2 of 4 stars). 11 submissions from 11 submitters: Benign (3); Likely benign (4). 4 of the submissions do not count toward it. Last evaluated 2026-02-03.

Conditions:
Left ventricular noncompaction 8 (LVNC8). Identifiers: Orphanet 154, Orphanet 54260, MedGen C3809288, MONDO:0014152, OMIM 615373.

Allele frequency attached by ClinVar (database versions not stated): 1000 Genomes Project 30x 0.00109; 1000 Genomes Project 0.00120; gnomAD 0.00153 and 0.00158; TOPMed 0.00159; gnomAD exomes 0.00167 and 0.00225; ESP Exome Variant Server 0.00194; ExAC 0.00215.
gnomAD v4.1: 2,767 of 1,611,576 alleles (0.17%); highest among the groups gnomAD compares: Middle Eastern, 1.3%; 15 homozygotes.

Submissions (11):

Labcorp Genetics (formerly Invitae), Labcorp
Classification: Benign for Left ventricular noncompaction 8. Last evaluated: 2026-02-03. Review status: criteria provided, single submitter. Criteria: Invitae Variant Classification Sherloc (09022015). Collection method: clinical testing. Allele origin: germline.

CeGaT Center for Human Genetics Tuebingen
Classification: Likely benign. Last evaluated: 2025-11-01. Review status: criteria provided, single submitter. Criteria: CeGaT Center For Human Genetics Tuebingen Variant Classification Criteria Version 2. Collection method: clinical testing. Allele origin: germline. Affected: yes. Observed: 3 variant alleles.
Comment: PRDM16: BP4, BP7

Blueprint Genetics
Classification: Likely benign. Last evaluated: 2024-11-26. Review status: criteria provided, single submitter. Criteria: ACMG Guidelines, 2015. Collection method: clinical testing. Allele origin: germline.

Women's Health and Genetics/Laboratory Corporation of America, LabCorp
Classification: Benign. Last evaluated: 2023-04-17. Review status: criteria provided, single submitter. Criteria: LabCorp Variant Classification Summary - May 2015. Collection method: clinical testing. Allele origin: germline.

GeneDx
Classification: Benign. Last evaluated: 2017-11-27. Review status: criteria provided, single submitter. Criteria: GeneDx Variant Classification (06012015). Collection method: clinical testing. Allele origin: germline. Affected: yes.
Comment: This variant is considered likely benign or benign based on one or more of the following criteria: it is a conservative change, it occurs at a poorly conserved position in the protein, it is predicted to be benign by multiple in silico algorithms, and/or has population frequency not consistent with disease.

Laboratory for Molecular Medicine, Mass General Brigham Personalized Medicine
Classification: Likely benign. Last evaluated: 2014-11-24. Review status: criteria provided, single submitter. Criteria: LMM Criteria. Collection method: clinical testing. Allele origin: germline. Observed: 4 variant alleles.
Comment: p.Pro67Pro in exon 2 of PRDM16: This variant is not expected to have clinical si gnificance because it does not alter an amino acid residue and is not located wi thin the splice consensus sequence. It has been identified in 0.3% (212/64514) o f European chromosomes by the Exome Aggregation Consortium (ExAC; dbSNP rs199614349).

Breakthrough Genomics
Classification: Likely benign. Review status: criteria provided, single submitter. Criteria: ACMG Guidelines, 2015. Collection method: not provided. Allele origin: germline. Inheritance: Autosomal dominant inheritance. Affected: yes.

Clinical Genetics DNA and cytogenetics Diagnostics Lab, Erasmus MC, Erasmus Medical Center
Classification: Benign. Review status: no assertion criteria provided. Collection method: clinical testing. Allele origin: germline. Affected: yes. Study: VKGL Data-share Consensus. Not counted in ClinVar's aggregate classification.

Clinical Genetics, Academic Medical Center
Classification: Benign. Review status: no assertion criteria provided. Collection method: clinical testing. Allele origin: germline. Affected: yes. Study: VKGL Data-share Consensus. Not counted in ClinVar's aggregate classification.

Diagnostic Laboratory, Department of Genetics, University Medical Center Groningen
Classification: Likely benign. Review status: no assertion criteria provided. Collection method: clinical testing. Allele origin: germline. Affected: yes. Study: VKGL Data-share Consensus. Not counted in ClinVar's aggregate classification.

Joint Genome Diagnostic Labs from Nijmegen and Maastricht, Radboudumc and MUMC+
Classification: Benign. Review status: no assertion criteria provided. Collection method: clinical testing. Allele origin: germline. Affected: yes. Study: VKGL Data-share Consensus. Not counted in ClinVar's aggregate classification.

NM_022114.4(PRDM16):c.201G>A (p.Pro67=)

Gene: PRDM16 (PR/SET domain 16; plus strand). Cytogenetic location: 1p36.32.
Variant type: single nucleotide variant.
Coding change: c.201G>A on transcript NM_022114.4 (MANE Select); coding-DNA position 201, G replaced by A.
Protein change: p.Pro67=; no amino-acid change (proline 67 retained).
Molecular consequence: synonymous variant.
Genome position (GRCh38, 1-based): chr1:3,186,288, G>A. VCF-style: chr1-3186288-G-A. GRCh37 (hg19) VCF-style: chr1-3102852-G-A.
Other names: c.201G>A, p.Pro67= (NM_199454.3).
Identifiers: ClinVar variation 227864 (VCV000227864.34), dbSNP rs199614349, ClinGen allele CA543725.